The following is an entry in ClinVar:

NM_000541.5(SAG):c.422A>G (p.Gln141Arg)

Gene: SAG (S-antigen visual arrestin; plus strand). Cytogenetic location: 2q37.1.
Variant type: single nucleotide variant.
Coding change: c.422A>G on transcript NM_000541.5 (MANE Select); coding-DNA position 422, A replaced by G.
Protein change: p.Gln141Arg; replaces glutamine 141 with arginine.
Molecular consequence: missense variant.
Genome position (GRCh38, 1-based): chr2:233,322,992, A>G. VCF-style: chr2-233322992-A-G. GRCh37 (hg19) VCF-style: chr2-234231638-A-G.
Other names: short protein forms Q141R.
Identifiers: ClinVar variation 2076690 (VCV002076690.4), dbSNP rs2469773805, ClinGen allele CA351046827.

ClinVar aggregate classification (germline): Uncertain significance (1 of 4 stars; one submission).

Submission:

Labcorp Genetics (formerly Invitae), Labcorp
Classification: Uncertain significance. Last evaluated: 2022-01-06. Review status: criteria provided, single submitter. Criteria: Invitae Variant Classification Sherloc (09022015). Collection method: clinical testing. Allele origin: germline.
Comment: In summary, the available evidence is currently insufficient to determine the role of this variant in disease. Therefore, it has been classified as a Variant of Uncertain Significance. Algorithms developed to predict the effect of missense changes on protein structure and function (SIFT, PolyPhen-2, Align-GVGD) all suggest that this variant is likely to be tolerated. This variant has not been reported in the literature in individuals affected with SAG-related conditions. This variant is not present in population databases (gnomAD no frequency). This sequence change replaces glutamine, which is neutral and polar, with arginine, which is basic and polar, at codon 141 of the SAG protein (p.Gln141Arg).